The following is an entry in ClinVar:

NM_004304.5(ALK):c.731A>C (p.Asn244Thr)

Gene: ALK (ALK receptor tyrosine kinase; minus strand). Cytogenetic location: 2p23.2.
Variant type: single nucleotide variant.
Coding change: c.731A>C on transcript NM_004304.5 (MANE Select); coding-DNA position 731, A replaced by C.
Protein change: p.Asn244Thr; replaces asparagine 244 with threonine.
Molecular consequence: missense variant.
Genome position (GRCh38, 1-based): chr2:29,717,634, T>G on the plus strand (A>C on the coding strand, the complement: ALK is on the minus strand). VCF-style: chr2-29717634-T-G. GRCh37 (hg19) VCF-style: chr2-29940500-T-G.
Other names: short protein forms N244T.
Identifiers: ClinVar variation 470898 (VCV000470898.12), dbSNP rs763986679, ClinGen allele CA1594884.

ClinVar aggregate classification (germline): Uncertain significance. Review status: criteria provided, multiple submitters, no conflicts (2 of 4 stars). 2 submissions from 2 submitters: Uncertain significance (2). Last evaluated 2025-06-08.

Conditions:
Neuroblastoma, susceptibility to, 3. Also called: ALK-Related Neuroblastic Tumor Susceptibility. Identifiers: Orphanet 635, MedGen C2751681, MONDO:0013083, OMIM 613014.
Hereditary cancer-predisposing syndrome. Also called: Hereditary neoplastic syndrome; Neoplastic Syndromes, Hereditary; Tumor predisposition; Hereditary Cancer Syndrome. Identifiers: Orphanet 140162, MedGen C0027672, MeSH D009386, MONDO:0015356.

Allele frequency attached by ClinVar (database versions not stated): ExAC 0.00002; gnomAD exomes 0.00001.
gnomAD v4.1: 10 of 1,613,940 alleles (0.00062%); highest among the groups gnomAD compares: South Asian, 0.0011%; no homozygotes.

Submissions (2):

Labcorp Genetics (formerly Invitae), Labcorp
Classification: Uncertain significance for Neuroblastoma, susceptibility to, 3. Last evaluated: 2025-06-08. Review status: criteria provided, single submitter. Criteria: Invitae Variant Classification Sherloc (09022015). Collection method: clinical testing. Allele origin: germline.
Comment: This sequence change replaces asparagine, which is neutral and polar, with threonine, which is neutral and polar, at codon 244 of the ALK protein (p.Asn244Thr). This variant is present in population databases (rs763986679, gnomAD 0.003%). This variant has not been reported in the literature in individuals affected with ALK-related conditions. ClinVar contains an entry for this variant (Variation ID: 470898). An algorithm developed to predict the effect of missense changes on protein structure and function (PolyPhen-2) suggests that this variant is likely to be disruptive. In summary, the available evidence is currently insufficient to determine the role of this variant in disease. Therefore, it has been classified as a Variant of Uncertain Significance.

Ambry Genetics
Classification: Uncertain significance for Hereditary cancer-predisposing syndrome. Last evaluated: 2025-03-26. Review status: criteria provided, single submitter. Criteria: Ambry Variant Classification Scheme 2023. Collection method: clinical testing. Allele origin: germline.
Comment: The p.N244T variant (also known as c.731A>C), located in coding exon 2 of the ALK gene, results from an A to C substitution at nucleotide position 731. The asparagine at codon 244 is replaced by threonine, an amino acid with similar properties. This amino acid position is conserved. In addition, this alteration is predicted to be tolerated by in silico analysis. Since supporting evidence is limited at this time, the clinical significance of this alteration remains unclear.